The following is an entry in ClinVar:

ClinVar aggregate classification (germline): Likely benign. Review status: criteria provided, multiple submitters, no conflicts (2 of 4 stars). 3 submissions from 3 submitters: Likely benign (3). Last evaluated 2025-11-17.

Conditions:
Koolen-de Vries syndrome (KDVS). Identifiers: Orphanet 96169, MedGen C1864871, MONDO:0012496, OMIM 610443.

Allele frequency attached by ClinVar (database versions not stated): gnomAD 0.00003 and 0.00006; TOPMed 0.00005; ExAC 0.00012; 1000 Genomes Project 30x 0.00031; 1000 Genomes Project 0.00040.
gnomAD v4.1: 45 of 1,601,950 alleles (0.0028%); highest among the groups gnomAD compares: East Asian, 0.074%; no homozygotes.

Submissions (3):

Labcorp Genetics (formerly Invitae), Labcorp
Classification: Likely benign for Koolen-de Vries syndrome. Last evaluated: 2025-11-17. Review status: criteria provided, single submitter. Criteria: Invitae Variant Classification Sherloc (09022015). Collection method: clinical testing. Allele origin: germline.

Fulgent Genetics
Classification: Likely benign for Koolen-de Vries syndrome. Last evaluated: 2021-09-27. Review status: criteria provided, single submitter. Criteria: ACMG Guidelines, 2015. Collection method: clinical testing. Allele origin: unknown.

GeneDx
Classification: Likely benign. Last evaluated: 2016-10-13. Review status: criteria provided, single submitter. Criteria: GeneDx Variant Classification (06012015). Collection method: clinical testing. Allele origin: germline. Affected: yes.
Comment: This variant is considered likely benign or benign based on one or more of the following criteria: it is a conservative change, it occurs at a poorly conserved position in the protein, it is predicted to be benign by multiple in silico algorithms, and/or has population frequency not consistent with disease.

NM_015443.4(KANSL1):c.1527T>G (p.Asp509Glu)

Gene: KANSL1 (KAT8 regulatory NSL complex subunit 1). Cytogenetic location: 17q21.31.
Variant type: single nucleotide variant.
Coding change: c.1527T>G on transcript NM_015443.4 (MANE Select); coding-DNA position 1527, T replaced by G.
Protein change: p.Asp509Glu; replaces aspartic acid 509 with glutamic acid.
Molecular consequence: missense variant.
Genome position (GRCh38, 1-based): chr17:46,082,447, A>C on the plus strand (T>G on the coding strand, the complement: KANSL1 is on the minus strand). VCF-style: chr17-46082447-A-C. GRCh37 (hg19) VCF-style: chr17-44159813-A-C.
Other names: c.1527T>G, p.Asp509Glu (NM_001379198.1, NM_001193465.2, NM_001193466.2); short protein forms D509E.
Identifiers: ClinVar variation 390020 (VCV000390020.11), dbSNP rs527948436, ClinGen allele CA8618803.